The following is an entry in ClinVar:

ClinVar aggregate classification (germline): Likely benign (1 of 4 stars; one submission).

Conditions:
COL13A1-related disorder. Also called: COL13A1-related condition.

Submissions (2):

PreventionGenetics, part of Exact Sciences
Classification: Likely benign for COL13A1-related condition. Last evaluated: 2025-02-26. Review status: criteria provided, single submitter. Criteria: ACMG Guidelines, 2015. Collection method: clinical testing. Allele origin: germline.
Comment: This variant is classified as likely benign based on ACMG/AMP sequence variant interpretation guidelines (Richards et al. 2015 PMID: 25741868, with internal and published modifications).

Dr. Peter K. Rogan Lab, Western University
No classification provided (evidence only). Condition: Malignant tumor of esophagus. Review status: no classification provided. Collection method: in vitro. Allele origin: not applicable. Functional consequence: retained intron. Not counted in ClinVar's aggregate classification.

NM_001368882.1(COL13A1):c.859-10G>T

Gene: COL13A1 (collagen type XIII alpha 1 chain; plus strand). Cytogenetic location: 10q22.1.
Variant type: single nucleotide variant.
Coding change: c.859-10G>T on transcript NM_001368882.1 (MANE Select); 10 bases into the intron before coding-DNA position 859, G replaced by T.
Molecular consequence: intron variant.
Genome position (GRCh38, 1-based): chr10:69,904,923, G>T. VCF-style: chr10-69904923-G-T. GRCh37 (hg19) VCF-style: chr10-71664679-G-T.
Other names: NC_000010.10:g.71664679G>T; c.859-10G>T (NM_001320951.2, NM_001368884.1); c.889-10G>T (NM_001130103.2, NM_001130103.1); c.823-10G>T (NM_080801.4, NM_080802.4, NM_001368883.1 and 1 more transcripts); c.832-10G>T (NM_080800.4); c.259-10G>T (NM_001368886.1); c.736-10G>T (NM_080805.4); c.745-10G>T (NM_001368897.1); and 2 more.
Identifiers: ClinVar variation 4364438 (VCV004364438.2).